The following is an entry in ClinVar:

ClinVar aggregate classification (germline): Conflicting classifications of pathogenicity. Review status: criteria provided, conflicting classifications (1 of 4 stars). 6 submissions from 5 submitters: Uncertain significance (2); Likely benign (4). Last evaluated 2025-11-22.

Conditions:
Congenital multicore myopathy with external ophthalmoplegia (CMYO1B). Also called: MULTIMINICORE DISEASE WITH EXTERNAL OPHTHALMOPLEGIA; MULTICORE MYOPATHY; Congenital myopathy 1B, autosomal recessive; Minicore myopathy; Minicore myopathy with external ophthalmoplegia. Identifiers: Orphanet 598, Orphanet 98905, MedGen C1850674, MONDO:0009712, OMIM 255320, HP:0003789.
Malignant hyperthermia, susceptibility to, 1 (MHS1). Also called: Anesthesia related hyperthermia; Malignant hyperpyrexia; Fulminating hyperpyrexia; Pharmacogenic myopathy; RYR1-Related Malignant Hyperthermia Susceptibility; Malignant hyperthermia suceptibility 1. Identifiers: Orphanet 423, MedGen C2930980, MONDO:0007783, OMIM 145600.
RYR1-related disorder. Also called: RYR1-related disorders; RYR1-related condition. Identifiers: MedGen CN239331.

Allele frequency attached by ClinVar (database versions not stated): gnomAD 0.00007; gnomAD exomes 0.00007 and 0.00013; ExAC 0.00027.
gnomAD v4.1: 119 of 1,575,570 alleles (0.0076%); highest among the groups gnomAD compares: Middle Eastern, 0.023%; no homozygotes.

Submissions (6):

Labcorp Genetics (formerly Invitae), Labcorp
Classification: Likely benign for RYR1-related disorder. Last evaluated: 2025-11-22. Review status: criteria provided, single submitter. Criteria: Invitae Variant Classification Sherloc (09022015). Collection method: clinical testing. Allele origin: germline.

Blueprint Genetics
Classification: Likely benign. Last evaluated: 2024-08-22. Review status: criteria provided, single submitter. Criteria: ACMG Guidelines, 2015. Collection method: clinical testing. Allele origin: germline.

All of Us Research Program, National Institutes of Health
Classification: Likely benign for Malignant hyperthermia, susceptibility to, 1. Last evaluated: 2024-01-11. Review status: criteria provided, single submitter. Criteria: ACMG Guidelines, 2015. Collection method: clinical testing. Allele origin: germline. Inheritance: Autosomal dominant inheritance. Observed: 16 variant alleles, 16 heterozygotes.
Comment: This study involves interpretation of variants in research participants for the purpose of population health screening. Participant phenotype was not available at the time of variant classification. Additional details can be found in publication PMID: 35346344, PMCID: PMC8962531

Color Diagnostics, LLC DBA Color Health
Classification: Likely benign for Malignant hyperthermia, susceptibility to, 1. Last evaluated: 2022-10-03. Review status: criteria provided, single submitter. Criteria: ACMG Guidelines, 2015. Collection method: clinical testing. Allele origin: germline.

Illumina Laboratory Services, Illumina
Classification: Uncertain significance for Malignant hyperthermia, susceptibility to, 1. Last evaluated: 2018-01-12. Review status: criteria provided, single submitter. Criteria: ICSL Variant Classification Criteria 13 December 2019. Collection method: clinical testing. Allele origin: germline.

Illumina Laboratory Services, Illumina
Classification: Uncertain significance for Congenital multicore myopathy with external ophthalmoplegia. Last evaluated: 2018-01-12. Review status: criteria provided, single submitter. Criteria: ICSL Variant Classification Criteria 13 December 2019. Collection method: clinical testing. Allele origin: germline.

NM_000540.3(RYR1):c.10260-12C>T

Gene: RYR1 (ryanodine receptor 1; plus strand). Cytogenetic location: 19q13.2.
Variant type: single nucleotide variant.
Coding change: c.10260-12C>T on transcript NM_000540.3 (MANE Select); 12 bases into the intron before coding-DNA position 10260, C replaced by T.
Molecular consequence: intron variant.
Genome position (GRCh38, 1-based): chr19:38,523,016, C>T. VCF-style: chr19-38523016-C-T. GRCh37 (hg19) VCF-style: chr19-39013656-C-T.
Other names: c.10260-12C>T (NM_001042723.2).
Identifiers: ClinVar variation 329097 (VCV000329097.16), dbSNP rs779541890, ClinGen allele CA052848.